The following is an entry in ClinVar:

NM_000929.3(PLA2G5):c.259A>C (p.Lys87Gln)

Gene: PLA2G5 (phospholipase A2 group V; plus strand). Cytogenetic location: 1p36.13.
Variant type: single nucleotide variant.
Coding change: c.259A>C on transcript NM_000929.3 (MANE Select); coding-DNA position 259, A replaced by C.
Protein change: p.Lys87Gln; replaces lysine 87 with glutamine.
Molecular consequence: missense variant.
Genome position (GRCh38, 1-based): chr1:20,089,862, A>C. VCF-style: chr1-20089862-A-C. GRCh37 (hg19) VCF-style: chr1-20416355-A-C.
Other names: short protein forms K87Q.
Identifiers: ClinVar variation 1466349 (VCV001466349.8), dbSNP rs2100648217, ClinGen allele CA338822050.

ClinVar aggregate classification (germline): Uncertain significance (1 of 4 stars; one submission).

Submission:

Labcorp Genetics (formerly Invitae), Labcorp
Classification: Uncertain significance. Last evaluated: 2022-10-13. Review status: criteria provided, single submitter. Criteria: Invitae Variant Classification Sherloc (09022015). Collection method: clinical testing. Allele origin: germline.
Comment: This variant has not been reported in the literature in individuals affected with PLA2G5-related conditions. This sequence change replaces lysine, which is basic and polar, with glutamine, which is neutral and polar, at codon 87 of the PLA2G5 protein (p.Lys87Gln). This variant is not present in population databases (gnomAD no frequency). ClinVar contains an entry for this variant (Variation ID: 1466349). Algorithms developed to predict the effect of missense changes on protein structure and function output the following: SIFT: "Tolerated"; PolyPhen-2: "Benign"; Align-GVGD: "Class C0". The glutamine amino acid residue is found in multiple mammalian species, which suggests that this missense change does not adversely affect protein function. In summary, the available evidence is currently insufficient to determine the role of this variant in disease. Therefore, it has been classified as a Variant of Uncertain Significance.